The following is an entry in ClinVar:

NM_020461.4(TUBGCP6):c.181_182del (p.Met61fs)

Gene: TUBGCP6 (tubulin gamma complex component 6; minus strand). Cytogenetic location: 22q13.33.
Variant type: Deletion.
Coding change: c.181_182del on transcript NM_020461.4 (MANE Select); coding-DNA positions 181 to 182, 2 bases deleted (AT; older notation c.181_182delAT).
Protein change: p.Met61fs; shifts the reading frame from methionine 61.
Molecular consequence: frameshift variant.
Genome position (GRCh38, 1-based): chr22:50,244,278-50,244,279, AT deleted on the plus strand (AT on the coding strand, the reverse complement: TUBGCP6 is on the minus strand). VCF-style (leftmost placement, unchanged base first): chr22-50244277-CAT-C. GRCh37 (hg19) VCF-style: chr22-50682706-CAT-C.
Other names: short protein forms M61fs.
Identifiers: ClinVar variation 967576 (VCV000967576.7), dbSNP rs748511475, ClinGen allele CA10309105.
Genomic context (GRCh38, chr22:50,244,277, plus strand): 5'-GCCACCCACTCTCAAGTCAAAGGACAACATGAGGATCTTGTTTCTCGCTGGTAGTTTTGA[CAT>C]GTCAGGCTGCAGCTGTTGAGTCTCATCTTGAAAAAGATTTGTGAAAAGAGCATTGTAGGC-3'

ClinVar aggregate classification (germline): Pathogenic (1 of 4 stars; one submission).

Allele frequency attached by ClinVar (database versions not stated): gnomAD exomes below 0.00001 and 0.00001; ExAC 0.00001.

Submission:

Labcorp Genetics (formerly Invitae), Labcorp
Classification: Pathogenic. Last evaluated: 2023-06-13. Review status: criteria provided, single submitter. Criteria: Invitae Variant Classification Sherloc (09022015). Collection method: clinical testing. Allele origin: germline.
Comment: This sequence change creates a premature translational stop signal (p.Met61Valfs*15) in the TUBGCP6 gene. It is expected to result in an absent or disrupted protein product. Loss-of-function variants in TUBGCP6 are known to be pathogenic (PMID: 25344692). This variant is present in population databases (rs748511475, gnomAD 0.002%). This variant has not been reported in the literature in individuals affected with TUBGCP6-related conditions. ClinVar contains an entry for this variant (Variation ID: 967576). For these reasons, this variant has been classified as Pathogenic.

Literature cited by the submitters: PubMed 25344692.